The following is an entry in ClinVar:

NM_001164508.2(NEB):c.19102-1G>T

Gene: NEB (nebulin; minus strand). Cytogenetic location: 2q23.3.
Variant type: single nucleotide variant.
Coding change: c.19102-1G>T on transcript NM_001164508.2 (MANE Select); the canonical splice acceptor site of the intron before coding-DNA position 19102, G replaced by T.
Molecular consequence: splice acceptor variant.
Genome position (GRCh38, 1-based): chr2:151,561,109, C>A on the plus strand (G>T on the coding strand, the complement: NEB is on the minus strand). VCF-style: chr2-151561109-C-A. GRCh37 (hg19) VCF-style: chr2-152417623-C-A.
Other names: IVS122AS, G-T, -1; c.13999-1G>T (NM_004543.5); c.19102-1G>T (NM_001164507.2, NM_001271208.2).
Identifiers: ClinVar variation 1120191 (VCV001120191.4), dbSNP rs2153702473, ClinGen allele CA348795125.
Genomic context (GRCh38, chr2:151,561,109, plus strand): 5'-TGTTTCTAGAACTGTTGTGTATTTGTCCTTAATCTGATGATAATTTTCTTTATATTTTAC[C>A]TGTAGACAAGCAACAATAGGTTATTCACCTCTGTTGTTAGAAAATACATAAAGACAAGAA-3'

ClinVar aggregate classification (germline): Likely pathogenic. Review status: criteria provided, single submitter (1 of 4 stars). 2 submissions from 2 submitters: Likely pathogenic (1). 1 of the submissions does not count toward it. Last evaluated 2025-03-07.

Conditions:
Nemaline myopathy. Also called: Myopathies, Nemaline. Identifiers: Orphanet 607, MedGen C0206157, MONDO:0018958.
Arthrogryposis multiplex congenita 6. Identifiers: MedGen C5543431, MONDO:0030281, OMIM 619334.

gnomAD v4.1: 1 of 1,575,376 alleles (0.000063%); no homozygotes.

Submissions (2):

Broad Center for Mendelian Genomics, Broad Institute of MIT and Harvard
Classification: Likely pathogenic for Nemaline myopathy. Last evaluated: 2025-03-07. Review status: criteria provided, single submitter. Criteria: ACMG Guidelines, 2015. Collection method: curation. Allele origin: germline. Inheritance: Autosomal recessive inheritance.
Comment: The c.19102-1G>T variant in NEB has been reported, in the homozygous state, in 1 individual with nemaline myopathy (PMID: 33376055), and has been identified in 0.002% (1/61100) of remaining chromosomes by the Genome Aggregation Database (gnomAD; dbSNP ID: rs2153702473). Although this variant has been seen in the general population in a heterozygous state, its frequency is low enough to be consistent with a recessive carrier frequency. This variant has also been reported in ClinVar (Variation ID: 1120191) and has been interpreted as pathogenic by OMIM. This variant is located in the 3' splice region. This variant is adjacent to an in-frame exon and is more likely to escape nonsense mediated decay (NMD) and result in a truncated protein. In-frame exon skipping of the NEB gene is an established disease mechanism in autosomal recessive nemaline myopathy. In summary, although additional studies are required to fully establish its clinical significance, this variant is likely pathogenic for autosomal recessive nemaline myopathy. ACMG/AMP Criteria applied: PVS1_strong, PM2_supporting, PM3_supporting (Richards 2015).

OMIM
Classification: Pathogenic for ARTHROGRYPOSIS MULTIPLEX CONGENITA 6. Last evaluated: 2026-05-27. Review status: no assertion criteria provided. Collection method: literature only. Allele origin: germline. Not counted in ClinVar's aggregate classification.

Literature cited by the submitters: PubMed 33376055 (cited by OMIM).